The following is an entry in ClinVar:

ClinVar aggregate classification (germline): Uncertain significance. Review status: criteria provided, multiple submitters, no conflicts (2 of 4 stars). 2 submissions from 2 submitters: Uncertain significance (2). Last evaluated 2019-03-26.

Conditions:
Developmental and epileptic encephalopathy, 52 (DEE52). Also called: Epileptic encephalopathy, early infantile, 52. Identifiers: MedGen C4479236, MONDO:0033361, OMIM 617350.

Submissions (2):

Baylor Genetics
Classification: Uncertain significance for Developmental and epileptic encephalopathy, 52. Last evaluated: 2019-03-26. Review status: criteria provided, single submitter. Criteria: ACMG Guidelines, 2015. Collection method: clinical testing. Allele origin: unknown. Affected: yes.
Comment: This variant was determined to be of uncertain significance according to ACMG Guidelines, 2015 [PMID:25741868].

GeneDx
Classification: Uncertain significance. Last evaluated: 2017-10-19. Review status: criteria provided, single submitter. Criteria: GeneDx Variant Classification (06012015). Collection method: clinical testing. Allele origin: germline. Affected: yes.
Comment: A variant of uncertain significance has been identified in the SCN1B gene. The c.*13 G>A variant in the 3' untranslated region of SCN1B has not been published as a pathogenic variant, nor has it been reported as a benign variant to our knowledge. No data are available from control populations to assess the frequency of this variant (Lek et al., 2016). This substitution occurs at a position that is conserved in mammals. However, several in-silico splice prediction models predict that c.*13 G>A does not alter splicing. Additionally, regulatory variants have not been reported in the SCN1B gene in association with SCN1B-related disorders (Stenson et al., 2014). In the absence of RNA/functional studies, the actual effect of this sequence change in this individual is unknown. Therefore, based on the currently available information, it is unclear whether this variant is a pathogenic variant or a rare benign variant.

NM_001037.5(SCN1B):c.*13G>A

Gene: SCN1B (sodium voltage-gated channel beta subunit 1; plus strand). Cytogenetic location: 19q13.11.
Variant type: single nucleotide variant.
Coding change: c.*13G>A on transcript NM_001037.5 (MANE Select); 13 bases downstream of the stop codon, G replaced by A.
Molecular consequence: 3 prime UTR variant.
Genome position (GRCh38, 1-based): chr19:35,039,804, G>A. VCF-style: chr19-35039804-G-A. GRCh37 (hg19) VCF-style: chr19-35530708-G-A.
Other names: c.*13G>A (NM_001321605.2).
Identifiers: ClinVar variation 452814 (VCV000452814.2), dbSNP rs1555721564, ClinGen allele CA658658802.